The following is an entry in ClinVar:

ClinVar aggregate classification (germline): Uncertain significance. Review status: criteria provided, multiple submitters, no conflicts (2 of 4 stars). 2 submissions from 2 submitters: Uncertain significance (2). Last evaluated 2024-06-24.

Conditions:
Sulfite oxidase deficiency due to molybdenum cofactor deficiency type A. Also called: Molybdenum cofactor deficiency, complementation group A; Molybdenum Cofactor Deficiency A. Identifiers: Orphanet 308386, Orphanet 833, MedGen C1854988, MONDO:0009643, OMIM 252150.

Allele frequency attached by ClinVar (database versions not stated): gnomAD 0.00002 and 0.00003.
gnomAD v4.1: 26 of 1,612,444 alleles (0.0016%); highest among the groups gnomAD compares: Admixed American, 0.0033%; no homozygotes.

Submissions (2):

Fulgent Genetics
Classification: Uncertain significance for Sulfite oxidase deficiency due to molybdenum cofactor deficiency type A. Last evaluated: 2024-06-24. Review status: criteria provided, single submitter. Criteria: ACMG Guidelines, 2015. Collection method: clinical testing. Allele origin: germline.

Labcorp Genetics (formerly Invitae), Labcorp
Classification: Uncertain significance for Sulfite oxidase deficiency due to molybdenum cofactor deficiency type A. Last evaluated: 2022-07-19. Review status: criteria provided, single submitter. Criteria: Invitae Variant Classification Sherloc (09022015). Collection method: clinical testing. Allele origin: germline.
Comment: This sequence change replaces glutamic acid, which is acidic and polar, with lysine, which is basic and polar, at codon 90 of the MOCS1 protein (p.Glu90Lys). This variant is present in population databases (rs147580725, gnomAD 0.007%). This variant has not been reported in the literature in individuals affected with MOCS1-related conditions. ClinVar contains an entry for this variant (Variation ID: 1047010). Algorithms developed to predict the effect of missense changes on protein structure and function are either unavailable or do not agree on the potential impact of this missense change (SIFT: "Not Available"; PolyPhen-2: "Possibly Damaging"; Align-GVGD: "Not Available"). In summary, the available evidence is currently insufficient to determine the role of this variant in disease. Therefore, it has been classified as a Variant of Uncertain Significance.

NM_001358530.2(MOCS1):c.268G>A (p.Glu90Lys)

Gene: MOCS1 (molybdenum cofactor synthesis 1; minus strand). Cytogenetic location: 6p21.2.
Variant type: single nucleotide variant.
Coding change: c.268G>A on transcript NM_001358530.2 (MANE Select); coding-DNA position 268, G replaced by A.
Protein change: p.Glu90Lys; replaces glutamic acid 90 with lysine.
Molecular consequence: missense variant. On other transcripts: non-coding transcript variant (1).
Genome position (GRCh38, 1-based): chr6:39,925,828, C>T on the plus strand (G>A on the coding strand, the complement: MOCS1 is on the minus strand). VCF-style: chr6-39925828-C-T. GRCh37 (hg19) VCF-style: chr6-39893572-C-T.
Other names: c.268G>A, p.Glu90Lys (NM_001075098.4, NM_001358529.2, NM_005943.6); c.7G>A, p.Glu3Lys (NM_001358531.2, NM_001358533.2, NM_001358534.2); c.268G>A (NM_005943.5); short protein forms E3K, E90K.
Identifiers: ClinVar variation 1047010 (VCV001047010.5), dbSNP rs147580725, ClinGen allele CA3796359.